The following is an entry in ClinVar:

ClinVar aggregate classification (germline): Uncertain significance (1 of 4 stars; one submission).

Conditions:
Microcephaly, normal intelligence and immunodeficiency (NBS). Also called: Immunodeficiency, microcephaly with normal intelligence; Nijmegen breakage syndrome; Ataxia telangiectasia variant V1; SEEMANOVA SYNDROME II; BERLIN BREAKAGE SYNDROME; IMMUNODEFICIENCY, MICROCEPHALY, AND CHROMOSOMAL INSTABILITY. Identifiers: Orphanet 647, MedGen C0398791, MONDO:0009623, OMIM 251260.

Submission:

Labcorp Genetics (formerly Invitae), Labcorp
Classification: Uncertain significance for Microcephaly, normal intelligence and immunodeficiency. Last evaluated: 2022-03-08. Review status: criteria provided, single submitter. Criteria: Invitae Variant Classification Sherloc (09022015). Collection method: clinical testing. Allele origin: germline.
Comment: ClinVar contains an entry for this variant (Variation ID: 958061). This variant has not been reported in the literature in individuals affected with NBN-related conditions. This variant is present in population databases (no rsID available, gnomAD 0.01%). This sequence change replaces aspartic acid, which is acidic and polar, with asparagine, which is neutral and polar, at codon 596 of the NBN protein (p.Asp596Asn). In summary, the available evidence is currently insufficient to determine the role of this variant in disease. Therefore, it has been classified as a Variant of Uncertain Significance. Algorithms developed to predict the effect of missense changes on protein structure and function are either unavailable or do not agree on the potential impact of this missense change (SIFT: "Tolerated"; PolyPhen-2: "Possibly Damaging"; Align-GVGD: "Class C0").

NM_002485.5(NBN):c.1786G>A (p.Asp596Asn)

Gene: NBN (nibrin; minus strand). Cytogenetic location: 8q21.3.
Variant type: single nucleotide variant.
Coding change: c.1786G>A on transcript NM_002485.5 (MANE Select); coding-DNA position 1786, G replaced by A.
Protein change: p.Asp596Asn; replaces aspartic acid 596 with asparagine.
Molecular consequence: missense variant.
Genome position (GRCh38, 1-based): chr8:89,953,303, C>T on the plus strand (G>A on the coding strand, the complement: NBN is on the minus strand). VCF-style: chr8-89953303-C-T. GRCh37 (hg19) VCF-style: chr8-90965531-C-T.
Other names: c.1540G>A, p.Asp514Asn (NM_001024688.3); short protein forms D514N, D596N.
Identifiers: ClinVar variation 958061 (VCV000958061.9), dbSNP rs1467034784, ClinGen allele CA371655093.